The following is an entry in ClinVar:

ClinVar aggregate classification (germline): Likely pathogenic (1 of 4 stars; one submission).

Allele frequency attached by ClinVar (database versions not stated): gnomAD exomes below 0.00001; ExAC 0.00001; ESP Exome Variant Server 0.00008.

Submission:

Labcorp Genetics (formerly Invitae), Labcorp
Classification: Likely pathogenic. Last evaluated: 2023-09-25. Review status: criteria provided, single submitter. Criteria: Invitae Variant Classification Sherloc (09022015). Collection method: clinical testing. Allele origin: germline.
Comment: Algorithms developed to predict the effect of sequence changes on RNA splicing suggest that this variant may disrupt the consensus splice site. In summary, the currently available evidence indicates that the variant is pathogenic, but additional data are needed to prove that conclusively. Therefore, this variant has been classified as Likely Pathogenic. This sequence change affects a splice site in intron 5 of the GFM1 gene. It is expected to disrupt RNA splicing. Variants that disrupt the donor or acceptor splice site typically lead to a loss of protein function (PMID: 16199547), and loss-of-function variants in GFM1 are known to be pathogenic (PMID: 16632485, 17160893). This variant is present in population databases (rs748809628, gnomAD 0.002%). This variant has not been reported in the literature in individuals affected with GFM1-related conditions.

Literature cited by the submitters: PubMed 16199547; PubMed 16632485; PubMed 17160893.

NM_024996.7(GFM1):c.689+2del

Gene: GFM1 (G elongation factor mitochondrial 1; plus strand). Cytogenetic location: 3q25.32.
Variant type: Deletion.
Coding change: c.689+2del on transcript NM_024996.7 (MANE Select); the canonical splice donor site of the intron after coding-DNA position 689, one base deleted (T; older notation c.689+2delT).
Molecular consequence: splice donor variant. On other transcripts: intron variant (3).
Genome position (GRCh38, 1-based): chr3:158,649,159, T deleted. VCF-style (leftmost placement, unchanged base first): chr3-158649158-GT-G. GRCh37 (hg19) VCF-style: chr3-158366947-GT-G.
Other names: c.689+2del (NM_001308164.2, NM_001374355.1, NM_001308166.2); c.464+2del (NM_001374357.1); c.572+2212del (NM_001374356.1); c.122+2del (NM_001374359.1, NM_001374360.1); c.6-2937del (NM_001374361.1); c.235-2941del (NM_001374358.1).
Identifiers: ClinVar variation 2882546 (VCV002882546.3), dbSNP rs748809628, ClinGen allele CA2682384.